The following is an entry in ClinVar:

ClinVar aggregate classification (germline): Conflicting classifications of pathogenicity. Review status: criteria provided, conflicting classifications (1 of 4 stars). 9 submissions from 8 submitters: Uncertain significance (6); Likely benign (2). 1 of the submissions does not count toward it. Last evaluated 2026-01-22.

Conditions:
Inborn genetic diseases. Identifiers: MedGen C0950123, MeSH D030342.
Rheumatoid arthritis (RA). Also called: RHEUMATOID ARTHRITIS, SUSCEPTIBILITY TO. Identifiers: MedGen C0003873, MONDO:0008383, OMIM 180300, HP:0001370.
MHC class II deficiency 1 (MHC2D1). Also called: SCID, HLA CLASS II-NEGATIVE; Bare lymphocyte syndrome type 2, complementation group A; BARE LYMPHOCYTE SYNDROME, TYPE II, COMPLEMENTATION GROUP A. Identifiers: MedGen C1859534, MONDO:0971005, OMIM 209920.
MHC class II deficiency. Also called: Bare lymphocyte syndrome 2; BLS, TYPE II. Identifiers: Orphanet 572, MedGen C5447452, MONDO:0008855.

Allele frequency attached by ClinVar (database versions not stated): ESP Exome Variant Server 0.00016; ExAC 0.00017; TOPMed 0.00027; gnomAD 0.00048.
gnomAD v4.1: 161 of 1,563,594 alleles (0.01%); highest among the groups gnomAD compares: African/African-American, 0.087%; no homozygotes.

Submissions (9):

Women's Health and Genetics/Laboratory Corporation of America, LabCorp
Classification: Uncertain significance. Last evaluated: 2026-01-22. Review status: criteria provided, single submitter. Criteria: LabCorp Variant Classification Summary - May 2015. Collection method: clinical testing. Allele origin: germline.

Ambry Genetics
Classification: Likely benign for Inborn genetic diseases. Last evaluated: 2023-11-03. Review status: criteria provided, single submitter. Criteria: Ambry Variant Classification Scheme 2023. Collection method: clinical testing. Allele origin: germline.

Blueprint Genetics
Classification: Likely benign. Last evaluated: 2023-10-23. Review status: criteria provided, single submitter. Criteria: ACMG Guidelines, 2015. Collection method: clinical testing. Allele origin: germline.

Labcorp Genetics (formerly Invitae), Labcorp
Classification: Uncertain significance for MHC class II deficiency. Last evaluated: 2022-08-16. Review status: criteria provided, single submitter. Criteria: Invitae Variant Classification Sherloc (09022015). Collection method: clinical testing. Allele origin: germline.
Comment: This sequence change replaces arginine, which is basic and polar, with histidine, which is basic and polar, at codon 884 of the CIITA protein (p.Arg884His). This variant is present in population databases (rs374443915, gnomAD 0.1%). This variant has not been reported in the literature in individuals affected with CIITA-related conditions. ClinVar contains an entry for this variant (Variation ID: 317716). Algorithms developed to predict the effect of missense changes on protein structure and function output the following: SIFT: "Tolerated"; PolyPhen-2: "Benign"; Align-GVGD: "Class C0". The histidine amino acid residue is found in multiple mammalian species, which suggests that this missense change does not adversely affect protein function. In summary, the available evidence is currently insufficient to determine the role of this variant in disease. Therefore, it has been classified as a Variant of Uncertain Significance.

Fulgent Genetics
Classification: Uncertain significance for Rheumatoid arthritis; MHC class II deficiency 1. Last evaluated: 2021-07-20. Review status: criteria provided, single submitter. Criteria: ACMG Guidelines, 2015. Collection method: clinical testing. Allele origin: unknown.

Illumina Laboratory Services, Illumina
Classification: Uncertain significance for MHC class II deficiency 1. Last evaluated: 2018-01-13. Review status: criteria provided, single submitter. Criteria: ICSL Variant Classification Criteria 13 December 2019. Collection method: clinical testing. Allele origin: germline.

Center for Genomics, Ann and Robert H. Lurie Children's Hospital of Chicago
Classification: Uncertain significance for MHC class II deficiency 1. Last evaluated: 2017-11-21. Review status: criteria provided, single submitter. Criteria: ACMG Guidelines, 2015. Collection method: clinical testing. Allele origin: germline.
Comment: CIITA NM_000246.3 exon 11 p.Arg884His (c.2651G>A): This variant has not been reported in the literature but is present in 0.1% (21/16688) of African alleles in the Genome Aggregation Database. This variant is present in ClinVar (Variation ID:317716). This variant amino acid Histidine (His) is present in >20 species including mammals and is not well conserved among evolutionarily distant species; this suggests that this variant may not impact the protein. Additional computational prediction tools do not suggest an impact. In summary, data on this variant is insufficient for disease classification. Therefore, the clinical significance of this variant is uncertain.

Center for Genomics, Ann and Robert H. Lurie Children's Hospital of Chicago
Classification: Uncertain significance for Rheumatoid arthritis; MHC class II deficiency 1. Review status: criteria provided, single submitter. Criteria: ACMG Guidelines, 2015. Collection method: clinical testing. Allele origin: germline.
Comment: CIITA NM_000246 exon 11 p.Arg884His (c.2651G>A): This variant has not been reported in the literature but is present in 0.1% (21/16688) of African alleles in the Genome Aggregation Database. This variant is present in ClinVar (Variation ID:317716). This variant amino acid Histidine (His) is present in >20 species including mammals and is not well conserved among evolutionarily distant species; this suggests that this variant may not impact the protein. Additional computational prediction tools do not suggest an impact. In summary, data on this variant is insufficient for disease classification. Therefore, the clinical significance of this variant is uncertain

Natera, Inc.
Classification: Likely benign for Bare lymphocyte syndrome type II. Last evaluated: 2020-04-24. Review status: no assertion criteria provided. Collection method: clinical testing. Allele origin: germline. Not counted in ClinVar's aggregate classification.

NM_000246.4(CIITA):c.2651G>A (p.Arg884His)

Gene: CIITA (class II major histocompatibility complex transactivator; plus strand). Cytogenetic location: 16p13.13.
Variant type: single nucleotide variant.
Coding change: c.2651G>A on transcript NM_000246.4 (MANE Select); coding-DNA position 2651, G replaced by A.
Protein change: p.Arg884His; replaces arginine 884 with histidine.
Molecular consequence: missense variant. On other transcripts: intron variant (1).
Genome position (GRCh38, 1-based): chr16:10,908,143, G>A. VCF-style: chr16-10908143-G-A. GRCh37 (hg19) VCF-style: chr16-11002000-G-A.
Other names: c.2654G>A, p.Arg885His (NM_001286402.1, NM_001379332.1); c.2507G>A, p.Arg836His (NM_001379330.1); c.2504G>A, p.Arg835His (NM_001379331.1); c.2651G>A, p.Arg884His (NM_001379333.1); c.2582G>A, p.Arg861His (NM_001379334.1); c.860-840G>A (NM_001286403.2); short protein forms R884H, R885H, R835H, R836H, R861H.
Identifiers: ClinVar variation 317716 (VCV000317716.14), dbSNP rs374443915, ClinGen allele CA7900429.